The following is an entry in ClinVar:

NM_024334.3(TMEM43):c.836C>G (p.Ser279Cys)

Gene: TMEM43 (transmembrane protein 43; plus strand). Cytogenetic location: 3p25.1.
Variant type: single nucleotide variant.
Coding change: c.836C>G on transcript NM_024334.3 (MANE Select); coding-DNA position 836, C replaced by G.
Protein change: p.Ser279Cys; replaces serine 279 with cysteine.
Molecular consequence: missense variant.
Genome position (GRCh38, 1-based): chr3:14,135,862, C>G. VCF-style: chr3-14135862-C-G. GRCh37 (hg19) VCF-style: chr3-14177362-C-G.
Other names: c.839C>G, p.Ser280Cys (NM_001407274.1); c.833C>G, p.Ser278Cys (NM_001407275.1, NM_001407277.1); c.836C>G, p.Ser279Cys (NM_001407276.1); c.821C>G, p.Ser274Cys (NM_001407278.1); c.761C>G, p.Ser254Cys (NM_001407279.1); c.686C>G, p.Ser229Cys (NM_001407280.1); short protein forms S229C, S254C, S274C, S278C, S279C, S280C.
Identifiers: ClinVar variation 5036998 (VCV005036998.1).

ClinVar aggregate classification (germline): Uncertain significance (1 of 4 stars; one submission).

Submission:

GeneDx
Classification: Uncertain significance. Last evaluated: 2026-04-13. Review status: criteria provided, single submitter. Criteria: GeneDx Variant Classification Process June 2021. Collection method: clinical testing. Allele origin: germline.
Comment: Not observed at significant frequency in large population cohorts (gnomAD); In silico analysis supports that this missense variant has a deleterious effect on protein structure/function; Has not been previously published as pathogenic or benign to our knowledge